The following is an entry in ClinVar:

ClinVar aggregate classification (germline): Conflicting classifications of pathogenicity. Review status: criteria provided, conflicting classifications (1 of 4 stars). 12 submissions from 12 submitters: Uncertain significance (8); Likely benign (3). 1 of the submissions does not count toward it. Last evaluated 2026-06-05.

Conditions:
POLD1-related polyposis and colorectal cancer syndrome (CRCS10). Also called: Colorectal cancer 10; COLORECTAL CANCER, SUSCEPTIBILITY TO, ON CHROMOSOME 19q; Colorectal cancer, susceptibility to, 10. Identifiers: Orphanet 220460, MedGen C2675481, MONDO:0012953, OMIM 612591.
Mandibular hypoplasia-deafness-progeroid syndrome. Also called: Mandibular hypoplasia, deafness, progeroid features, and lipodystrophy syndrome. Identifiers: Orphanet 363649, MedGen C3715192, MONDO:0014157, OMIM 615381.
Immunodeficiency 120. Identifiers: MedGen C5935622, MONDO:0970994, OMIM 620836.
POLD1-related disorder. Also called: POLD1-related condition; POLD1-related disorders.
Hereditary cancer-predisposing syndrome. Also called: Tumor predisposition; Hereditary Cancer Syndrome; Neoplastic Syndromes, Hereditary; Hereditary neoplastic syndrome. Identifiers: Orphanet 140162, MedGen C0027672, MeSH D009386, MONDO:0015356.

Allele frequency attached by ClinVar (database versions not stated): gnomAD 0.00001; ExAC 0.00003; gnomAD exomes 0.00003 and 0.00006; TOPMed 0.00003; ESP Exome Variant Server 0.00008.
gnomAD v4.1: 55 of 1,610,978 alleles (0.0034%); highest among the groups gnomAD compares: African/African-American, 0.0013%; no homozygotes.

Submissions (12):

PreventionGenetics, part of Exact Sciences
Classification: Uncertain significance for POLD1-related condition. Last evaluated: 2026-06-05. Review status: criteria provided, single submitter. Criteria: ACMG Guidelines, 2015. Collection method: clinical testing. Allele origin: germline.
Comment: The POLD1 c.583C>T variant is predicted to result in premature protein termination (p.Arg195*). This variant has been reported in the heterozygous state in an individual with early-onset MMR-proficient colorectal cancer (Table 4 in Rosner et al. 2018. PubMed ID: 30086056). However, the established mechanism for POLD1-related malignancy involves missense mutations that disrupt the protein proof-reading domain (Palles et al. 2013. PubMed ID: 23263490) and there is currently no evidence to suggest that truncating variants cause disease. This variant is reported in 0.16% of alleles in individuals of Ashkenazi Jewish descent in gnomAD and has conflicting interpretations in ClinVar, ranging from uncertain to likely benign (Variation ID: 239357). Although we suspect that this variant may be benign, at this time, the clinical significance of this variant is uncertain due to the absence of conclusive functional and genetic evidence.

Labcorp Genetics (formerly Invitae), Labcorp
Classification: Likely benign for POLD1-related polyposis and colorectal cancer syndrome. Last evaluated: 2026-02-02. Review status: criteria provided, single submitter. Criteria: Invitae Variant Classification Sherloc (09022015). Collection method: clinical testing. Allele origin: germline.

Women's Health and Genetics/Laboratory Corporation of America, LabCorp
Classification: Likely benign. Last evaluated: 2026-02-02. Review status: criteria provided, single submitter. Criteria: LabCorp Variant Classification Summary - May 2015. Collection method: clinical testing. Allele origin: germline.
Comment: Variant summary: POLD1 c.583C>T (p.Arg195X) results in a premature termination codon, predicted to cause a truncation of the encoded protein or absence of the protein due to nonsense mediated decay, however current evidence is not sufficient to establish loss of function as a mechanism for disease. The variant allele was found at a frequency of 6.5e-05 in 247202 control chromosomes. The observed variant frequency exceeds the estimated maximal expected allele frequency for disease-causing variants in POLD1. These report(s) do not provide unequivocal conclusions about association of the variant with Colorectal Cancer. To our knowledge, no experimental evidence demonstrating an impact on protein function has been reported. The following publications have been ascertained in the context of this evaluation (PMID: 32792570, 33809179, 40179146, 37766469, 36845387, 30086056). ClinVar contains an entry for this variant (Variation ID: 239357). Based on the evidence outlined above, the variant was classified as likely benign.

Ambry Genetics
Classification: Uncertain significance for Hereditary cancer-predisposing syndrome. Last evaluated: 2025-09-24. Review status: criteria provided, single submitter. Criteria: Ambry Variant Classification Scheme 2023. Collection method: clinical testing. Allele origin: germline.
Comment: The p.R195* variant (also known as c.583C>T), located in coding exon 4 of the POLD1 gene, results from a C to T substitution at nucleotide position 583. This changes the amino acid from an arginine to a stop codon within coding exon 4. This alteration is expected to result in protein truncation or nonsense-mediated mRNA decay. However, loss of function has not been established as a mechanism of disease. Based on the available evidence, the clinical significance of this alteration remains unclear.

Center for Genomic Medicine, Rigshospitalet, Copenhagen University Hospital
Classification: Uncertain significance. Last evaluated: 2025-03-04. Review status: criteria provided, single submitter. Criteria: ACMG Guidelines, 2015. Collection method: clinical testing. Allele origin: germline.

Blueprint Genetics
Classification: Uncertain significance. Last evaluated: 2024-09-11. Review status: criteria provided, single submitter. Criteria: ACMG Guidelines, 2015. Collection method: clinical testing. Allele origin: germline.

Fulgent Genetics
Classification: Uncertain significance for POLD1-related polyposis and colorectal cancer syndrome; Mandibular hypoplasia-deafness-progeroid syndrome; Immunodeficiency 120. Last evaluated: 2024-01-04. Review status: criteria provided, single submitter. Criteria: ACMG Guidelines, 2015. Collection method: clinical testing. Allele origin: germline.

GeneDx
Classification: Uncertain significance. Last evaluated: 2023-04-19. Review status: criteria provided, single submitter. Criteria: GeneDx Variant Classification Process June 2021. Collection method: clinical testing. Allele origin: germline. Affected: yes.
Comment: Segregates with disease in affected individuals in the literature, but also identified in several control subjects without history of colorectal cancer or polyps (Rosner et al., 2018); Some missense variants in POLD1 have been recognized as an underlying cause of Polymerase Proofreading-Associated Polyposis (PPAP); however, there are no data at this time to support that loss-of-function variants confer the same cancer risks; This variant is associated with the following publications: (PMID: 25986922, 33809179, 30086056, 23263490)

CeGaT Center for Human Genetics Tuebingen
Classification: Uncertain significance. Last evaluated: 2022-09-01. Review status: criteria provided, single submitter. Criteria: CeGaT Center For Human Genetics Tuebingen Variant Classification Criteria Version 2. Collection method: clinical testing. Allele origin: germline. Affected: yes. Observed: 1 variant allele.
Comment: POLD1: PP3

Institute for Clinical Genetics, University Hospital TU Dresden, University Hospital TU Dresden
Classification: Uncertain significance. Last evaluated: 2021-11-03. Review status: criteria provided, single submitter. Criteria: ACMG Guidelines, 2015. Collection method: clinical testing. Allele origin: germline.

Sema4
Classification: Likely benign for Hereditary cancer-predisposing syndrome. Last evaluated: 2021-01-18. Review status: criteria provided, single submitter. Criteria: Sema4 Curation Guidelines. Collection method: curation. Allele origin: germline.

Counsyl
Classification: Uncertain significance for POLD1-related polyposis and colorectal cancer syndrome. Last evaluated: 2016-08-23. Review status: no assertion criteria provided. Collection method: clinical testing. Allele origin: unknown. Not counted in ClinVar's aggregate classification.

Literature cited by the submitters: PubMed 33809179 (cited by Women's Health and Genetics/Laboratory Corporation of America, LabCorp); PubMed 32792570 (cited by Women's Health and Genetics/Laboratory Corporation of America, LabCorp and Center for Genomic Medicine, Rigshospitalet, Copenhagen University Hospital); PubMed 36845387 (cited by Women's Health and Genetics/Laboratory Corporation of America, LabCorp); PubMed 37766469 (cited by Women's Health and Genetics/Laboratory Corporation of America, LabCorp); PubMed 40179146 (cited by Women's Health and Genetics/Laboratory Corporation of America, LabCorp); PubMed 30086056 (cited by 3 submitters); PubMed 23263490 (cited by Center for Genomic Medicine, Rigshospitalet, Copenhagen University Hospital and Sema4); PubMed 28724667 (cited by Center for Genomic Medicine, Rigshospitalet, Copenhagen University Hospital).

NM_002691.4(POLD1):c.583C>T (p.Arg195Ter)

Gene: POLD1 (DNA polymerase delta 1, catalytic subunit; plus strand). Cytogenetic location: 19q13.33.
Variant type: single nucleotide variant.
Coding change: c.583C>T on transcript NM_002691.4 (MANE Select); coding-DNA position 583, C replaced by T.
Protein change: p.Arg195Ter; replaces arginine 195 with a stop codon.
Molecular consequence: nonsense. On other transcripts: non-coding transcript variant (1).
Genome position (GRCh38, 1-based): chr19:50,402,118, C>T. VCF-style: chr19-50402118-C-T. GRCh37 (hg19) VCF-style: chr19-50905375-C-T.
Other names: c.583C>T, p.Arg195Ter (NM_001256849.1, NM_001308632.1); short protein forms R195*.
Identifiers: ClinVar variation 239357 (VCV000239357.69), dbSNP rs377690809, ClinGen allele CA9595803.